The following is an entry in ClinVar:

NM_001374828.1(ARID1B):c.6929del (p.Leu2310fs)

Gene: ARID1B (AT-rich interaction domain 1B; plus strand). Cytogenetic location: 6q25.3.
Variant type: Deletion.
Coding change: c.6929del on transcript NM_001374828.1 (MANE Select); coding-DNA position 6929, one base deleted (T; older notation c.6929delT).
Protein change: p.Leu2310fs; shifts the reading frame from leucine 2310.
Molecular consequence: frameshift variant.
Genome position (GRCh38, 1-based): chr6:157,207,701, T deleted. VCF-style (leftmost placement, unchanged base first): chr6-157207700-CT-C. GRCh37 (hg19) VCF-style: chr6-157528834-CT-C.
Other names: c.6560del (NM_020732.3); c.4430del, p.Leu1477fs (NM_001363725.2); c.6809del, p.Leu2270fs (NM_001371656.1, NM_001374820.1); c.6770del, p.Leu2257fs (NM_017519.3); short protein forms L1477fs, L2257fs, L2270fs, L2310fs.
Identifiers: ClinVar variation 3341061 (VCV003341061.2).

ClinVar aggregate classification (germline): Pathogenic. Review status: criteria provided, multiple submitters, no conflicts (2 of 4 stars). 2 submissions from 2 submitters: Pathogenic (2). Last evaluated 2023-12-20.

Conditions:
Coffin-Siris syndrome 1 (CSS1). Also called: Mental retardation, autosomal dominant 12; ARID1B-Related Coffin-Siris Syndrome. Identifiers: Orphanet 1465, MedGen C3281201, MONDO:0007617, OMIM 135900. Disease mechanism: gain of function.

Submissions (2):

GeneDx
Classification: Pathogenic. Last evaluated: 2023-12-20. Review status: criteria provided, single submitter. Criteria: GeneDx Variant Classification Process June 2021. Collection method: clinical testing. Allele origin: germline. Affected: yes.
Comment: Frameshift variant predicted to result in abnormal protein length as the last 63 amino acids are replaced with 5 different amino acids, and other similar variants have been reported in HGMD; Not observed at significant frequency in large population cohorts (gnomAD); This variant is associated with the following publications: (PMID: 31785789, 28191890)

3billion
Classification: Pathogenic for Coffin-Siris syndrome 1. Last evaluated: 2023-10-24. Review status: criteria provided, single submitter. Criteria: ACMG Guidelines, 2015. Collection method: clinical testing. Allele origin: germline. Affected: yes.
Comment: The variant is not observed in the gnomAD v2.1.1 dataset. Predicted Consequence/Location: Frameshift: predicted to result in a loss or disruption of normal protein function through protein truncation. Multiple pathogenic variants are reported in the predicted truncated region. The variant has been previously reported as de novo in a similarly affected individual (PMID: 25533962). Therefore, this variant is classified as Pathogenic according to the recommendation of ACMG/AMP guideline.

Literature cited by the submitters: PubMed 25533962 (cited by 3billion).